The following is an entry in ClinVar:

NM_001735.3(C5):c.12G>T (p.Leu4Phe)

Gene: C5 (complement C5; minus strand). Cytogenetic location: 9q33.2.
Variant type: single nucleotide variant.
Coding change: c.12G>T on transcript NM_001735.3 (MANE Select); coding-DNA position 12, G replaced by T.
Protein change: p.Leu4Phe; replaces leucine 4 with phenylalanine.
Molecular consequence: missense variant. On other transcripts: intron variant (1).
Genome position (GRCh38, 1-based): chr9:121,050,235, C>A on the plus strand (G>T on the coding strand, the complement: C5 is on the minus strand). VCF-style: chr9-121050235-C-A. GRCh37 (hg19) VCF-style: chr9-123812513-C-A.
Other names: c.12G>T, p.Leu4Phe (NM_001317164.2); c.84-3852G>T (NM_001317163.2); short protein forms L4F.
Identifiers: ClinVar variation 1550063 (VCV001550063.15), dbSNP rs35352264, ClinGen allele CA5218510.

ClinVar aggregate classification (germline): Likely benign. Review status: criteria provided, multiple submitters, no conflicts (2 of 4 stars). 2 submissions from 2 submitters: Likely benign (2). Last evaluated 2025-11-12.

Allele frequency attached by ClinVar (database versions not stated): gnomAD exomes 0.00004 and 0.00014; ExAC 0.00014; ESP Exome Variant Server 0.00054; gnomAD 0.00058 and 0.00063; TOPMed 0.00062.
gnomAD v4.1: 157 of 1,613,756 alleles (0.0097%); highest among the groups gnomAD compares: African/African-American, 0.19%; 1 homozygote.

Submissions (2):

Labcorp Genetics (formerly Invitae), Labcorp
Classification: Likely benign. Last evaluated: 2025-11-12. Review status: criteria provided, single submitter. Criteria: Invitae Variant Classification Sherloc (09022015). Collection method: clinical testing. Allele origin: germline.

CeGaT Center for Human Genetics Tuebingen
Classification: Likely benign. Last evaluated: 2025-03-01. Review status: criteria provided, single submitter. Criteria: CeGaT Center For Human Genetics Tuebingen Variant Classification Criteria Version 2. Collection method: clinical testing. Allele origin: germline. Affected: yes. Observed: 1 variant allele.
Comment: C5: BP4